The following is an entry in ClinVar:

ClinVar aggregate classification (germline): Pathogenic (1 of 4 stars; one submission).

Conditions:
Congenital adrenal hyperplasia due to cytochrome P450 oxidoreductase deficiency. Also called: DISORDERED STEROIDOGENESIS DUE TO POR DEFICIENCY. Identifiers: Orphanet 95699, MedGen C1860042, MONDO:0013310, OMIM 613571.

Submission:

Labcorp Genetics (formerly Invitae), Labcorp
Classification: Pathogenic for Congenital adrenal hyperplasia due to cytochrome P450 oxidoreductase deficiency. Last evaluated: 2023-05-17. Review status: criteria provided, single submitter. Criteria: Invitae Variant Classification Sherloc (09022015). Collection method: clinical testing. Allele origin: germline.
Comment: For these reasons, this variant has been classified as Pathogenic. This variant has not been reported in the literature in individuals affected with POR-related conditions. This variant is not present in population databases (gnomAD no frequency). This sequence change creates a premature translational stop signal (p.Ile444Serfs*101) in the POR gene. It is expected to result in an absent or disrupted protein product. Loss-of-function variants in POR are known to be pathogenic (PMID: 14758361, 20732302, 21741353).

Literature cited by the submitters: PubMed 14758361; PubMed 20732302; PubMed 21741353.

NM_001395413.1(POR):c.1320del (p.Ile441fs)

Gene: POR (cytochrome p450 oxidoreductase; plus strand). Cytogenetic location: 7q11.23.
Variant type: Deletion.
Coding change: c.1320del on transcript NM_001395413.1 (MANE Select); coding-DNA position 1320, one base deleted (C; older notation c.1320delC).
Protein change: p.Ile441fs; shifts the reading frame from isoleucine 441.
Molecular consequence: frameshift variant. On other transcripts: intron variant (1).
Genome position (GRCh38, 1-based): chr7:75,985,138, C deleted; the last of 6 consecutive C bases (chr7:75,985,133-75,985,138); deleting any one gives the same sequence. VCF-style (leftmost placement, unchanged base first): chr7-75985132-GC-G. GRCh37 (hg19) VCF-style: chr7-75614450-GC-G.
Other names: c.1329delC, p.Ile444Serfs (NM_000941.2, NM_000941.3); c.1320del, p.Ile441fs (NM_001367562.3, NM_001382657.2, NM_001382658.3 and 1 more transcripts); c.1374del, p.Ile459fs (NM_001382655.3); c.1239+180del (NM_001382662.3); short protein forms I459fs, I441fs.
Identifiers: ClinVar variation 2814320 (VCV002814320.3), dbSNP rs786205875, ClinGen allele CA456331007.